The following is an entry in ClinVar:

NM_017802.4(DNAAF5):c.2197G>A (p.Gly733Ser)

Gene: DNAAF5 (dynein axonemal assembly factor 5; plus strand). Cytogenetic location: 7p22.3.
Variant type: single nucleotide variant.
Coding change: c.2197G>A on transcript NM_017802.4 (MANE Select); coding-DNA position 2197, G replaced by A.
Protein change: p.Gly733Ser; replaces glycine 733 with serine.
Molecular consequence: missense variant. On other transcripts: non-coding transcript variant (1).
Genome position (GRCh38, 1-based): chr7:775,120, G>A. VCF-style: chr7-775120-G-A. GRCh37 (hg19) VCF-style: chr7-814757-G-A.
Other names: short protein forms G733S.
Identifiers: ClinVar variation 1462193 (VCV001462193.6), dbSNP rs2128085181, ClinGen allele CA366546404.

ClinVar aggregate classification (germline): Uncertain significance (1 of 4 stars; one submission).

Conditions:
Primary ciliary dyskinesia. Also called: Ciliary dyskinesia. Identifiers: Orphanet 244, MedGen C0008780, MONDO:0016575, HP:0012265.

Submission:

Labcorp Genetics (formerly Invitae), Labcorp
Classification: Uncertain significance for Primary ciliary dyskinesia. Last evaluated: 2021-10-10. Review status: criteria provided, single submitter. Criteria: Invitae Variant Classification Sherloc (09022015). Collection method: clinical testing. Allele origin: germline.
Comment: In summary, the available evidence is currently insufficient to determine the role of this variant in disease. Therefore, it has been classified as a Variant of Uncertain Significance. Algorithms developed to predict the effect of missense changes on protein structure and function output the following: SIFT: "Tolerated"; PolyPhen-2: "Benign"; Align-GVGD: "Class C0". The serine amino acid residue is found in multiple mammalian species, which suggests that this missense change does not adversely affect protein function. This variant has not been reported in the literature in individuals affected with DNAAF5-related conditions. This variant is not present in population databases (ExAC no frequency). This sequence change replaces glycine with serine at codon 733 of the DNAAF5 protein (p.Gly733Ser). The glycine residue is moderately conserved and there is a small physicochemical difference between glycine and serine.